The following is an entry in ClinVar:

ClinVar aggregate classification (germline): Benign/Likely benign. Review status: criteria provided, multiple submitters, no conflicts (2 of 4 stars). 14 submissions from 14 submitters: Benign (11); Likely benign (1). 2 of the submissions do not count toward it. Last evaluated 2026-02-04.

Conditions:
Combined immunodeficiency due to DOCK8 deficiency (HIES2). Also called: HIES autosomal recessive; Hyper-IgE recurrent infection syndrome, autosomal recessive; HYPER-IgE SYNDROME 2, AUTOSOMAL RECESSIVE, WITH RECURRENT INFECTIONS; HYPER-IgE RECURRENT INFECTION SYNDROME 2, AUTOSOMAL RECESSIVE; DOCK8 Deficiency. Identifiers: Orphanet 217390, MedGen C4722305, MONDO:0009478, OMIM 243700.

Allele frequency attached by ClinVar (database versions not stated): ESP Exome Variant Server 0.74289; gnomAD 0.75495 and 0.76347; TOPMed 0.75751; 1000 Genomes Project 30x 0.79731; 1000 Genomes Project 0.80391; gnomAD exomes 0.81858 and 0.82499; ExAC 0.82006.
gnomAD v4.1: 1,312,246 of 1,613,816 alleles (81%); highest among the groups gnomAD compares: East Asian, 100%; 536,424 homozygotes.

Submissions (14):

Labcorp Genetics (formerly Invitae), Labcorp
Classification: Benign for Combined immunodeficiency due to DOCK8 deficiency. Last evaluated: 2026-02-04. Review status: criteria provided, single submitter. Criteria: Invitae Variant Classification Sherloc (09022015). Collection method: clinical testing. Allele origin: germline.

Women's Health and Genetics/Laboratory Corporation of America, LabCorp
Classification: Benign. Last evaluated: 2026-01-21. Review status: criteria provided, single submitter. Criteria: LabCorp Variant Classification Summary - May 2015. Collection method: clinical testing. Allele origin: germline.

Blueprint Genetics
Classification: Likely benign. Last evaluated: 2024-11-27. Review status: criteria provided, single submitter. Criteria: ACMG Guidelines, 2015. Collection method: clinical testing. Allele origin: germline.

Unidad de Genómica Garrahan, Hospital de Pediatría Garrahan
Classification: Benign. Last evaluated: 2023-11-12. Review status: criteria provided, single submitter. Criteria: ACMG Guidelines, 2015. Collection method: clinical testing. Allele origin: germline. Affected: no. Observed: 96 variant alleles.
Comment: This variant is classified as Benign based on local population frequency. This variant was detected in 100% of patients studied by a panel of primary immunodeficiencies. Number of patients: 96. Only high quality variants are reported.

Genome-Nilou Lab
Classification: Benign for Combined immunodeficiency due to DOCK8 deficiency. Last evaluated: 2021-07-14. Review status: criteria provided, single submitter. Criteria: ACMG Guidelines, 2015. Collection method: clinical testing. Allele origin: germline. Affected: no.

Mayo Clinic Laboratories, Mayo Clinic
Classification: Benign. Last evaluated: 2019-02-26. Review status: criteria provided, single submitter. Criteria: ACMG Guidelines, 2015. Collection method: clinical testing. Allele origin: germline. Observed: 853 variant alleles.

Illumina Laboratory Services, Illumina
Classification: Benign for Combined immunodeficiency due to DOCK8 deficiency. Last evaluated: 2018-01-12. Review status: criteria provided, single submitter. Criteria: ICSL Variant Classification Criteria 13 December 2019. Collection method: clinical testing. Allele origin: germline.
Comment: This variant was observed in the ICSL laboratory as part of a predisposition screen in an ostensibly healthy population. It had not been previously curated by ICSL or reported in the Human Gene Mutation Database (HGMD: prior to June 1st, 2018), and was therefore a candidate for classification through an automated scoring system. Utilizing variant allele frequency, disease prevalence and penetrance estimates, and inheritance mode, an automated score was calculated to assess if this variant is too frequent to cause the disease. Based on the score and internal cut-off values, a variant classified as benign is not then subjected to further curation. The score for this variant resulted in a classification of benign for this disease.

Oxford Medical Genetics Laboratories, Oxford University Hospitals NHS Foundation Trust
Classification: Benign for Combined immunodeficiency due to DOCK8 deficiency. Last evaluated: 2015-08-25. Review status: criteria provided, single submitter. Criteria: Kienzler et al. (Clin Immunol. 2016). Collection method: clinical testing. Allele origin: germline. Affected: yes and no. Observed: 3 homozygotes.

GeneDx
Classification: Benign. Last evaluated: 2015-03-03. Review status: criteria provided, single submitter. Criteria: GeneDx Variant Classification Process June 2021. Collection method: clinical testing. Allele origin: germline. Affected: yes.

Laboratory for Molecular Medicine, Mass General Brigham Personalized Medicine
Classification: Benign. Last evaluated: 2013-02-21. Review status: criteria provided, single submitter. Criteria: LMM Criteria. Collection method: clinical testing. Allele origin: germline. Observed: 64 variant alleles.
Comment: Glu1811Glu in exon 42 of DOCK8: This variant is not expected to have clinical si gnificance because it does not alter an amino acid residue and is not located wi thin the splice consensus sequence. It has been identified in 39.9% (1756/4406) of African American chromosomes from a broad population by the NHLBI Exome Seque ncing Project (dbSNP rs1887957).

Breakthrough Genomics
Classification: Benign. Review status: criteria provided, single submitter. Criteria: ACMG Guidelines, 2015. Collection method: not provided. Allele origin: germline. Inheritance: Autosomal recessive inheritance. Affected: yes.

PreventionGenetics, part of Exact Sciences
Classification: Benign. Review status: criteria provided, single submitter. Criteria: ACMG Guidelines, 2015. Collection method: clinical testing. Allele origin: germline.

Diagnostic Laboratory, Department of Genetics, University Medical Center Groningen
Classification: Benign. Review status: no assertion criteria provided. Collection method: clinical testing. Allele origin: germline. Affected: yes. Study: VKGL Data-share Consensus. Not counted in ClinVar's aggregate classification.

Genome Diagnostics Laboratory, University Medical Center Utrecht
Classification: Benign. Review status: no assertion criteria provided. Collection method: clinical testing. Allele origin: germline. Affected: yes. Study: VKGL Data-share Consensus. Not counted in ClinVar's aggregate classification.

NM_203447.4(DOCK8):c.5433G>A (p.Glu1811=)

Gene: DOCK8 (dedicator of cytokinesis 8; plus strand). Cytogenetic location: 9p24.3.
Variant type: single nucleotide variant.
Coding change: c.5433G>A on transcript NM_203447.4 (MANE Select); coding-DNA position 5433, G replaced by A.
Protein change: p.Glu1811=; no amino-acid change (glutamic acid 1811 retained).
Molecular consequence: synonymous variant.
Genome position (GRCh38, 1-based): chr9:441,952, G>A. VCF-style: chr9-441952-G-A. GRCh37 (hg19) VCF-style: chr9-441952-G-A.
Other names: p.Glu1811=; c.5133G>A, p.Glu1711= (NM_001190458.2); c.5229G>A, p.Glu1743= (NM_001193536.2).
Identifiers: ClinVar variation 178771 (VCV000178771.31), dbSNP rs1887957, ClinGen allele CA182997.